The following is an entry in ClinVar:

NM_014000.3(VCL):c.958G>T (p.Glu320Ter)

Gene: VCL (vinculin; plus strand). Cytogenetic location: 10q22.2.
Variant type: single nucleotide variant.
Coding change: c.958G>T on transcript NM_014000.3 (MANE Select); coding-DNA position 958, G replaced by T.
Protein change: p.Glu320Ter; replaces glutamic acid 320 with a stop codon.
Molecular consequence: nonsense.
Genome position (GRCh38, 1-based): chr10:74,083,449, G>T. VCF-style: chr10-74083449-G-T. GRCh37 (hg19) VCF-style: chr10-75843207-G-T.
Other names: c.958G>T, p.Glu320Ter (NM_003373.4); short protein forms E320*.
Identifiers: ClinVar variation 5008866 (VCV005008866.1).

ClinVar aggregate classification (germline): Uncertain significance (1 of 4 stars; one submission).

Submission:

GeneDx
Classification: Uncertain significance. Last evaluated: 2026-03-11. Review status: criteria provided, single submitter. Criteria: GeneDx Variant Classification Process June 2021. Collection method: clinical testing. Allele origin: germline.
Comment: Not observed at significant frequency in large population cohorts (gnomAD); Nonsense variant predicted to result in protein truncation or nonsense mediated decay in a gene or region of a gene for which loss of function is not a well-established mechanism of disease; Has not been previously published as pathogenic or benign to our knowledge